The following is an entry in ClinVar:

NM_001281956.2(CSMD2):c.10178G>A (p.Arg3393Gln)

Gene: CSMD2 (CUB and Sushi multiple domains 2; minus strand). Cytogenetic location: 1p35.1.
Variant type: single nucleotide variant.
Coding change: c.10178G>A on transcript NM_001281956.2 (MANE Select); coding-DNA position 10178, G replaced by A.
Protein change: p.Arg3393Gln; replaces arginine 3393 with glutamine.
Molecular consequence: missense variant.
Genome position (GRCh38, 1-based): chr1:33,527,252, C>T on the plus strand (G>A on the coding strand, the complement: CSMD2 is on the minus strand). VCF-style: chr1-33527252-C-T. GRCh37 (hg19) VCF-style: chr1-33992852-C-T.
Other names: c.9746G>A, p.Arg3249Gln (NM_052896.5); short protein forms R3249Q, R3393Q.
Identifiers: ClinVar variation 2638623 (VCV002638623.24), dbSNP rs148437366, ClinGen allele CA750562.
Genomic context (GRCh38, chr1:33,527,252, plus strand): 5'-GTACTCAAGGCTTGGGTGAGCGGTGGCTCCCGGGCAGTGTTGATGGGTCTCCCACTGGGC[C>T]GGACCTCTGCTGGGGAAAAAGAGTGGAAGAAAACAGGTTCAGCTTCTGGTTCACACTCTG-3'
Protein context (NP_001268885.1, residues 3383-3403): TGKPPICLEV[Arg3393Gln]PSGRPINTAR

ClinVar aggregate classification (germline): Likely benign (1 of 4 stars; one submission).

Allele frequency attached by ClinVar (database versions not stated): TOPMed 0.00010; ESP Exome Variant Server 0.00015; gnomAD 0.00022; ExAC 0.00098; 1000 Genomes Project 0.00140; 1000 Genomes Project 30x 0.00172.
gnomAD v4.1: 726 of 1,612,822 alleles (0.045%); highest among the groups gnomAD compares: South Asian, 0.53%; 23 homozygotes.

Submission:

CeGaT Center for Human Genetics Tuebingen
Classification: Likely benign. Last evaluated: 2023-05-01. Review status: criteria provided, single submitter. Criteria: CeGaT Center For Human Genetics Tuebingen Variant Classification Criteria Version 2. Collection method: clinical testing. Allele origin: germline. Affected: yes. Observed: 2 variant alleles.
Comment: CSMD2: BS2